The following is an entry in ClinVar:

ClinVar aggregate classification (germline): Uncertain significance. Review status: criteria provided, multiple submitters, no conflicts (2 of 4 stars). 2 submissions from 2 submitters: Uncertain significance (2). Last evaluated 2023-12-13.

Conditions:
Cardiac arrhythmia. Also called: Arrhythmia; Cardiac rhythm disease. Identifiers: MedGen C0003811, MONDO:0007263, HP:0011675.
Long QT syndrome (LQTS). Identifiers: MedGen C0023976, MeSH D008133, MONDO:0002442. Disease mechanism: loss of function. Inheritance: Various modes of inheritance.

gnomAD v4.1: 4 of 1,613,214 alleles (0.00025%); highest among the groups gnomAD compares: Admixed American, 0.0067%; no homozygotes.

Submissions (2):

All of Us Research Program, National Institutes of Health
Classification: Uncertain significance for Long QT syndrome. Last evaluated: 2023-12-13. Review status: criteria provided, single submitter. Criteria: ACMG Guidelines, 2015. Collection method: clinical testing. Allele origin: germline. Inheritance: Autosomal dominant inheritance. Observed: 1 variant allele, 1 heterozygote.
Comment: This missense variant replaces glutamic acid with glutamine at codon 450 of the KCNQ1 protein. Computational prediction is inconclusive regarding the impact of this variant on protein structure and function (internally defined REVEL score threshold 0.5 < inconclusive < 0.7, PMID: 27666373). This variant is found within a highly conserved C-terminus region (a.a. 392-508). Rare non-truncating variants in this region have been shown to be significantly overrepresented in individuals with long QT syndrome (PMID: 32893267). To our knowledge, functional studies have not been reported for this variant. This variant has not been reported in individuals affected with cardiovascular disorders in the literature. This variant has not been identified in the general population by the Genome Aggregation Database (gnomAD). The available evidence is insufficient to determine the role of this variant in disease conclusively. Therefore, this variant is classified as a Variant of Uncertain Significance.

This study involves interpretation of variants in research participants for the purpose of population health screening. Participant phenotype was not available at the time of variant classification. Additional details can be found in publication PMID: 35346344, PMCID: PMC8962531

Color Diagnostics, LLC DBA Color Health
Classification: Uncertain significance for Cardiac arrhythmia. Last evaluated: 2023-11-04. Review status: criteria provided, single submitter. Criteria: ACMG Guidelines, 2015. Collection method: clinical testing. Allele origin: germline.
Comment: This missense variant replaces glutamic acid with glutamine at codon 450 of the KCNQ1 protein. Computational prediction is inconclusive regarding the impact of this variant on protein structure and function (internally defined REVEL score threshold 0.5 < inconclusive < 0.7, PMID: 27666373). This variant is found within a highly conserved C-terminus region (a.a. 392-508). Rare non-truncating variants in this region have been shown to be significantly overrepresented in individuals with long QT syndrome (PMID: 32893267). To our knowledge, functional studies have not been reported for this variant. This variant has not been reported in individuals affected with cardiovascular disorders in the literature. This variant has not been identified in the general population by the Genome Aggregation Database (gnomAD). The available evidence is insufficient to determine the role of this variant in disease conclusively. Therefore, this variant is classified as a Variant of Uncertain Significance.

Literature cited by the submitters: PubMed 32893267 (cited by All of Us Research Program, National Institutes of Health and Color Diagnostics, LLC DBA Color Health).

NM_000218.3(KCNQ1):c.1348G>C (p.Glu450Gln)

Gene: KCNQ1 (potassium voltage-gated channel subfamily Q member 1; plus strand). Cytogenetic location: 11p15.5.
Variant type: single nucleotide variant.
Coding change: c.1348G>C on transcript NM_000218.3 (MANE Select); coding-DNA position 1348, G replaced by C.
Protein change: p.Glu450Gln; replaces glutamic acid 450 with glutamine.
Molecular consequence: missense variant.
Genome position (GRCh38, 1-based): chr11:2,588,809, G>C. VCF-style: chr11-2588809-G-C. GRCh37 (hg19) VCF-style: chr11-2610039-G-C.
Other names: c.1252G>C, p.Glu418Gln (NM_001406836.1); c.1078G>C, p.Glu360Gln (NM_001406837.1); c.808G>C, p.Glu270Gln (NM_001406838.1); c.967G>C, p.Glu323Gln (NM_181798.2); short protein forms E323Q, E418Q, E270Q, E450Q, E360Q.
Identifiers: ClinVar variation 2773477 (VCV002773477.3), dbSNP rs148266527, ClinGen allele CA379135097.